The following is an entry in ClinVar:

NM_021831.6(AGBL5):c.1298T>G (p.Leu433Arg)

Gene: AGBL5 (AGBL carboxypeptidase 5; plus strand). Cytogenetic location: 2p23.3.
Variant type: single nucleotide variant.
Coding change: c.1298T>G on transcript NM_021831.6 (MANE Select); coding-DNA position 1298, T replaced by G.
Protein change: p.Leu433Arg; replaces leucine 433 with arginine.
Molecular consequence: missense variant. On other transcripts: non-coding transcript variant (2).
Genome position (GRCh38, 1-based): chr2:27,056,071, T>G. VCF-style: chr2-27056071-T-G. GRCh37 (hg19) VCF-style: chr2-27278939-T-G.
Other names: c.1298T>G, p.Leu433Arg (NM_001035507.3); short protein forms L433R.
Identifiers: ClinVar variation 1450088 (VCV001450088.6), dbSNP rs1668418538, ClinGen allele CA346180865.

ClinVar aggregate classification (germline): Uncertain significance (1 of 4 stars; one submission).

Allele frequency attached by ClinVar (database versions not stated): TOPMed below 0.00001.

Submission:

Labcorp Genetics (formerly Invitae), Labcorp
Classification: Uncertain significance. Last evaluated: 2023-08-24. Review status: criteria provided, single submitter. Criteria: Invitae Variant Classification Sherloc (09022015). Collection method: clinical testing. Allele origin: germline.
Comment: In summary, the available evidence is currently insufficient to determine the role of this variant in disease. Therefore, it has been classified as a Variant of Uncertain Significance. An algorithm developed to predict the effect of missense changes on protein structure and function (PolyPhen-2) suggests that this variant is likely to be disruptive. ClinVar contains an entry for this variant (Variation ID: 1450088). This variant has not been reported in the literature in individuals affected with AGBL5-related conditions. This variant is not present in population databases (gnomAD no frequency). This sequence change replaces leucine, which is neutral and non-polar, with arginine, which is basic and polar, at codon 433 of the AGBL5 protein (p.Leu433Arg).